The following is an entry in ClinVar:

NM_004448.4(ERBB2):c.122C>T (p.Thr41Ile)

Gene: ERBB2 (erb-b2 receptor tyrosine kinase 2; plus strand). Cytogenetic location: 17q12.
Variant type: single nucleotide variant.
Coding change: c.122C>T on transcript NM_004448.4 (MANE Select); coding-DNA position 122, C replaced by T.
Protein change: p.Thr41Ile; replaces threonine 41 with isoleucine.
Molecular consequence: missense variant. On other transcripts: non-coding transcript variant (1), intron variant (1).
Genome position (GRCh38, 1-based): chr17:39,707,038, C>T. VCF-style: chr17-39707038-C-T. GRCh37 (hg19) VCF-style: chr17-37863291-C-T.
Other names: c.32C>T, p.Thr11Ile (NM_001005862.3, NM_001289938.2, NM_001382782.1 and 1 more transcripts); c.77C>T, p.Thr26Ile (NM_001289936.2); c.122C>T, p.Thr41Ile (NM_001289937.2, NM_001382784.1, NM_001382785.1 and 20 more transcripts); c.74-4890C>T (NM_001382804.1); short protein forms T11I, T41I, T26I.
Identifiers: ClinVar variation 1498151 (VCV001498151.8), dbSNP rs2058486337, ClinGen allele CA399270293.

ClinVar aggregate classification (germline): Uncertain significance (1 of 4 stars; one submission).

Submission:

Labcorp Genetics (formerly Invitae), Labcorp
Classification: Uncertain significance. Last evaluated: 2021-06-13. Review status: criteria provided, single submitter. Criteria: Invitae Variant Classification Sherloc (09022015). Collection method: clinical testing. Allele origin: germline.
Comment: This variant is not present in population databases (ExAC no frequency). This sequence change replaces threonine with isoleucine at codon 41 of the ERBB2 protein (p.Thr41Ile). The threonine residue is weakly conserved and there is a moderate physicochemical difference between threonine and isoleucine. This variant has not been reported in the literature in individuals with ERBB2-related conditions. Algorithms developed to predict the effect of missense changes on protein structure and function are either unavailable or do not agree on the potential impact of this missense change (SIFT: "Deleterious"; PolyPhen-2: "Possibly Damaging"; Align-GVGD: "Class C0"). In summary, the available evidence is currently insufficient to determine the role of this variant in disease. Therefore, it has been classified as a Variant of Uncertain Significance.